The following is an entry in ClinVar:

ClinVar aggregate classification (germline): Pathogenic (1 of 4 stars; one submission).

Conditions:
Neuromuscular disease caused by qualitative or quantitative defects of dystrophin. Also called: Qualitative or quantitative defects of dystrophin. Identifiers: Orphanet 207085, MedGen C5679787, MONDO:0016147.

Submission:

Women's Health and Genetics/Laboratory Corporation of America, LabCorp
Classification: Pathogenic for Dystrophinopathies. Last evaluated: 2020-09-24. Review status: criteria provided, single submitter. Criteria: LabCorp Variant Classification Summary - May 2015. Collection method: clinical testing. Allele origin: germline.
Comment: Variant summary: The variant identified by MLPA or other technology involves the deletion of exons 49-50 in the DMD gene. A presumed nomenclature of c.(7098+1_7099-1)_(7309+1_7310-1)del has been designated for the purposes of this classification. Although exact breakpoints of this deletion are not known, it is expected to result in a frameshift in the DMD gene, a known mechanism of disease. The variant was absent in 16117 control chromosomes. c.(7098+1_7099-1)_(7309+1_7310-1)del has been reported in the literature in multiple individuals affected with Dystrophinopathies (e.g. Ankala_2012, Polavarapu_2019). These data indicate that the variant is very likely to be associated with disease. Multiple variants involving deletion of exons 49-50 have submitted to ClinVar after 2014 with a classification of pathogenic. Based on the evidence outlined above, the variant was classified as pathogenic.

Literature cited by the submitters: PubMed 22090376; PubMed 31139960.

NC_000023.11:g.(31774193_31819974)_(31836820_31875187)del

Gene: DMD (dystrophin; minus strand). Cytogenetic location: Xp21.1.
Variant type: Deletion.
Identifiers: ClinVar variation 982020 (VCV000982020.1).